The following is an entry in ClinVar:

ClinVar aggregate classification (germline): Pathogenic (1 of 4 stars; one submission).

Conditions:
Hyperkalemic periodic paralysis. Also called: Familial hyperkalemic periodic paralysis; Gamstorp disease. Identifiers: Orphanet 682, MedGen C0238357, MONDO:0008224, OMIM 170500, HP:0007215.

Submission:

Labcorp Genetics (formerly Invitae), Labcorp
Classification: Pathogenic for Hyperkalemic periodic paralysis. Last evaluated: 2018-05-24. Review status: criteria provided, single submitter. Criteria: Invitae Variant Classification Sherloc (09022015). Collection method: clinical testing. Allele origin: germline.
Comment: This sequence change replaces asparagine with lysine at codon 440 of the SCN4A protein (p.Asn440Lys). The asparagine residue is highly conserved and there is a moderate physicochemical difference between asparagine and lysine. This variant is not present in population databases (ExAC no frequency). This variant has been observed to segregate with paramyotonia congenita in several families (PMID: 22106717, 22914841). ClinVar contains an entry for this variant (Variation ID: 221261). Experimental studies have shown that this missense change alters voltage gating in the sodium channel, consistent with gain of function (PMID: 22914841). For these reasons, this variant has been classified as Pathogenic.

Literature cited by the submitters: PubMed 22106717; PubMed 22914841.

NM_000334.4(SCN4A):c.1320T>G (p.Asn440Lys)

Gene: SCN4A (sodium voltage-gated channel alpha subunit 4; minus strand). Cytogenetic location: 17q23.3.
Variant type: single nucleotide variant.
Coding change: c.1320T>G on transcript NM_000334.4 (MANE Select); coding-DNA position 1320, T replaced by G.
Protein change: p.Asn440Lys; replaces asparagine 440 with lysine.
Molecular consequence: missense variant.
Genome position (GRCh38, 1-based): chr17:63,964,600, A>C on the plus strand (T>G on the coding strand, the complement: SCN4A is on the minus strand). VCF-style: chr17-63964600-A-C. GRCh37 (hg19) VCF-style: chr17-62041960-A-C.
Other names: short protein forms N440K.
Identifiers: ClinVar variation 221261 (VCV000221261.12), dbSNP rs864622785, ClinGen allele CA351017.